The following is an entry in ClinVar:

NM_001018115.3(FANCD2):c.1656+1G>T

Genes: FANCD2 (FA complementation group D2; plus strand), LOC107303338 (3p25 FANCD2 Alu-mediated recombination region; plus strand). Cytogenetic location: 3p25.3.
Variant type: single nucleotide variant.
Coding change: c.1656+1G>T on transcript NM_001018115.3 (MANE Select); the canonical splice donor site of the intron after coding-DNA position 1656, G replaced by T.
Molecular consequence: splice donor variant. On other transcripts: intron variant (1).
Genome position (GRCh38, 1-based): chr3:10,052,498, G>T. VCF-style: chr3-10052498-G-T. GRCh37 (hg19) VCF-style: chr3-10094182-G-T.
Other names: c.1656+1G>T (NM_001319984.2, NM_033084.6, NM_001374254.1); c.1545+2993G>T (NM_001374253.1).
Identifiers: ClinVar variation 419854 (VCV000419854.2), dbSNP rs748688174, ClinGen allele CA16617777.

ClinVar aggregate classification (germline): Likely pathogenic (1 of 4 stars; one submission).

Submission:

GeneDx
Classification: Likely pathogenic. Last evaluated: 2017-07-21. Review status: criteria provided, single submitter. Criteria: GeneDx Variant Classification (06012015). Collection method: clinical testing. Allele origin: germline. Affected: yes.
Comment: The c.1656+1G>T variant in the FANCD2 gene has not been reported previously as a pathogenic variant nor as a benign variant, to our knowledge. This splice site variant destroys the canonical splice donor site in intron 18, which is predicated to cause abnormal gene splicing resulting in an in-frame protein product with an abnormal message. However, in the absence of RNA/functional studies, the actual effect of c.1656+1G>T in this individual is unknown. The c.1656+1G>T variant is not observed in large population cohorts (Lek et al., 2016; 1000 Genomes Consortium et al., 2015; Exome Variant Server). Based on review of the data in the context of the 2015 ACMG standards and guidelines for the interpretation of sequence variants (Richards et al., 2015), we now interpret c.1656+1G>T as a likely pathogenic variant.